The following is an entry in ClinVar:

NM_014738.6(TMEM94):c.3153C>T (p.Pro1051=)

Gene: TMEM94 (transmembrane protein 94; plus strand). Cytogenetic location: 17q25.1.
Variant type: single nucleotide variant.
Coding change: c.3153C>T on transcript NM_014738.6 (MANE Select); coding-DNA position 3153, C replaced by T.
Protein change: p.Pro1051=; no amino-acid change (proline 1051 retained).
Molecular consequence: synonymous variant.
Genome position (GRCh38, 1-based): chr17:75,496,381, C>T. VCF-style: chr17-75496381-C-T. GRCh37 (hg19) VCF-style: chr17-73492462-C-T.
Other names: c.3183C>T, p.Pro1061= (NM_001321148.2); c.3165C>T, p.Pro1055= (NM_001321149.2); c.3105C>T, p.Pro1035= (NM_001351202.2); c.3180C>T, p.Pro1060= (NM_001351203.2).
Identifiers: ClinVar variation 3046935 (VCV003046935.2), dbSNP rs368335429, ClinGen allele CA8762397.

ClinVar aggregate classification (germline): Likely benign (0 of 4 stars; one submission).

Conditions:
TMEM94-related disorder. Also called: TMEM94-related condition.

Allele frequency attached by ClinVar (database versions not stated): gnomAD exomes 0.00001; ExAC 0.00007; gnomAD 0.00012; TOPMed 0.00014; ESP Exome Variant Server 0.00023; 1000 Genomes Project 30x 0.00031; 1000 Genomes Project 0.00040.

Submission:

PreventionGenetics, part of Exact Sciences
Classification: Likely benign for TMEM94-related condition. Last evaluated: 2019-04-01. Review status: no assertion criteria provided. Collection method: clinical testing. Allele origin: germline.
Comment: This variant is classified as likely benign based on ACMG/AMP sequence variant interpretation guidelines (Richards et al. 2015 PMID: 25741868, with internal and published modifications).